The following is an entry in ClinVar:

NM_004656.4(BAP1):c.412_418del (p.Ala138fs)

Gene: BAP1 (BRCA1 associated deubiquitinase 1; minus strand). Cytogenetic location: 3p21.1.
Variant type: Deletion.
Coding change: c.412_418del on transcript NM_004656.4 (MANE Select); coding-DNA positions 412 to 418, 7 bases deleted (GCCAAGG; older notation c.412_418delGCCAAGG).
Protein change: p.Ala138fs; shifts the reading frame from alanine 138.
Molecular consequence: frameshift variant.
Genome position (GRCh38, 1-based): chr3:52,407,418-52,407,424, CCTTGGC deleted on the plus strand (GCCAAGG on the coding strand, the reverse complement: BAP1 is on the minus strand); deleting any 7 consecutive bases within chr3:52,407,418-52,407,425 gives the same sequence; the c. name uses the placement nearest the transcript's 3' end. VCF-style (leftmost placement, unchanged base first): chr3-52407417-GCCTTGGC-G. GRCh37 (hg19) VCF-style: chr3-52441433-GCCTTGGC-G.
Other names: c.412_418delGCCAAGG (NM_004656.2); c.412_418del, p.Ala138fs (NM_001410772.1); short protein forms A138fs.
Identifiers: ClinVar variation 4734228 (VCV004734228.2).
Genomic context (GRCh38, chr3:52,407,417, plus strand): 5'-CCCTACTCCCACCCCACATCAGCTCCCACAGCTCCCACACACCTGGCATGGCTATTATGG[GCCTTGGC>G]CAACTCCGGGGCATTGCCAATCGCATATCCTTTGCTCTACGGGGAAGAAAATAAGGCCGT-3'

ClinVar aggregate classification (germline): Pathogenic. Review status: criteria provided, multiple submitters, no conflicts (2 of 4 stars). 2 submissions from 2 submitters: Pathogenic (2). Last evaluated 2026-04-15.

Conditions:
BAP1-related tumor predisposition syndrome (TPDS1). Also called: COMMON Syndrome; TUMOR PREDISPOSITION SYNDROME 1; BAP1 tumor predisposition syndrome; Tumor susceptibility linked to germline BAP1 mutations. Identifiers: Orphanet 289539, MedGen C3280492, MONDO:0013692, OMIM 614327.
Hereditary cancer-predisposing syndrome. Also called: Neoplastic Syndromes, Hereditary; Tumor predisposition; Hereditary Cancer Syndrome; Hereditary neoplastic syndrome. Identifiers: Orphanet 140162, MedGen C0027672, MeSH D009386, MONDO:0015356.

Submissions (2):

Ambry Genetics
Classification: Pathogenic for Hereditary cancer-predisposing syndrome. Last evaluated: 2026-04-15. Review status: criteria provided, single submitter. Criteria: Ambry Variant Classification Scheme 2023. Collection method: clinical testing. Allele origin: germline.
Comment: The c.412_418delGCCAAGG pathogenic mutation, located in coding exon 6 of the BAP1 gene, results from a deletion of 7 nucleotides at nucleotide positions 412 to 418, causing a translational frameshift with a predicted alternate stop codon (p.A138Pfs*47). This variant is considered to be rare based on population cohorts in the Genome Aggregation Database (gnomAD). This alteration is expected to result in loss of function by premature protein truncation or nonsense-mediated mRNA decay. As such, this alteration is interpreted as a disease-causing mutation.

Labcorp Genetics (formerly Invitae), Labcorp
Classification: Pathogenic for BAP1-related tumor predisposition syndrome. Last evaluated: 2025-12-27. Review status: criteria provided, single submitter. Criteria: Invitae Variant Classification Sherloc (09022015). Collection method: clinical testing. Allele origin: germline.
Comment: This sequence change creates a premature translational stop signal (p.Ala138Profs*47) in the BAP1 gene. It is expected to result in an absent or disrupted protein product. Loss-of-function variants in BAP1 are known to be pathogenic (PMID: 21874000, 23684012). This variant is not present in population databases (gnomAD no frequency). This variant has not been reported in the literature in individuals affected with BAP1-related conditions. For these reasons, this variant has been classified as Pathogenic.

Literature cited by the submitters: PubMed 21874000 (cited by Labcorp Genetics (formerly Invitae), Labcorp); PubMed 23684012 (cited by Labcorp Genetics (formerly Invitae), Labcorp).